The following is an entry in ClinVar:

ClinVar aggregate classification (germline): Uncertain significance (1 of 4 stars; one submission).

Submission:

CeGaT Center for Human Genetics Tuebingen
Classification: Uncertain significance. Last evaluated: 2026-09-01. Review status: criteria provided, single submitter. Criteria: CeGaT Center For Human Genetics Tuebingen Variant Classification Criteria Version 2. Collection method: clinical testing. Allele origin: germline. Affected: yes. Observed: 1 variant allele.
Comment: SLX4: PM2

NM_032444.4(SLX4):c.-623G>T

Genes: SLX4 (SLX4 structure-specific endonuclease subunit; minus strand), LOC130058347 (ATAC-STARR-seq lymphoblastoid silent region 7137; plus strand). Cytogenetic location: 16p13.3.
Variant type: single nucleotide variant.
Coding change: c.-623G>T on transcript NM_032444.4 (MANE Select); 623 bases upstream of the start codon, G replaced by T.
Molecular consequence: 5 prime UTR variant.
Genome position (GRCh38, 1-based): chr16:3,611,580, C>A on the plus strand (G>T on the coding strand, the complement: SLX4 is on the minus strand). VCF-style: chr16-3611580-C-A. GRCh37 (hg19) VCF-style: chr16-3661581-C-A.
Identifiers: ClinVar variation 5041417 (VCV005041417.1).